The following is an entry in ClinVar:

ClinVar aggregate classification (germline): Uncertain significance (1 of 4 stars; one submission).

Conditions:
Generalized juvenile polyposis/juvenile polyposis coli. Also called: Juvenile polyposis coli. Identifiers: Orphanet 329971, MedGen C1868081, MONDO:0008276.

Submission:

Labcorp Genetics (formerly Invitae), Labcorp
Classification: Uncertain significance for Juvenile polyposis syndrome. Last evaluated: 2016-12-22. Review status: criteria provided, single submitter. Criteria: Invitae Variant Classification Sherloc (09022015). Collection method: clinical testing. Allele origin: germline.
Comment: This variant is a gross duplication of the genomic region encompassing exons 11-12 of the SMAD4 gene. The 5' boundary is likely confined to intron 10. The 3' end of this event is unknown as it extends beyond the assayed region for this gene and therefore may encompass additional genes. This variant has not been reported in the literature in individuals with a SMAD4-related disease. In summary, the exact genomic location of this variant is unknown and the impact of this duplication on SMAD4 protein function has not been established. Therefore, it has been classified as a Variant of Uncertain Significance.

NC_000018.9:g.(?_48603008)_(48611412_?)dup

Gene: SMAD4 (SMAD family member 4; plus strand). Cytogenetic location: 18q21.2.
Variant type: Duplication.
Identifiers: ClinVar variation 417358 (VCV000417358.1).